The following is an entry in ClinVar:

ClinVar aggregate classification (germline): Uncertain significance (1 of 4 stars; one submission).

Conditions:
PGM1-related disorder. Also called: PGM1-related disorders; PGM1-related condition.

Submission:

PreventionGenetics, part of Exact Sciences
Classification: Uncertain significance for PGM1-related condition. Last evaluated: 2025-03-26. Review status: criteria provided, single submitter. Criteria: ACMG Guidelines, 2015. Collection method: clinical testing. Allele origin: germline.
Comment: The PGM1 c.1281G>T variant is predicted to result in the amino acid substitution p.Arg427Ser. This variant is located at the terminal base of the exon, and is predicted to alter splicing based on available splicing prediction programs (SpliceAI, Jaganathan et al. 2019. PubMed ID: 30661751).To our knowledge, this variant has not been reported in the literature or in a large population database (gnomAD), indicating this variant is rare. At this time, the clinical significance of this variant is uncertain due to the absence of conclusive functional and genetic evidence.

NM_002633.3(PGM1):c.1281G>T (p.Arg427Ser)

Gene: PGM1 (phosphoglucomutase 1; plus strand). Cytogenetic location: 1p31.3.
Variant type: single nucleotide variant.
Coding change: c.1281G>T on transcript NM_002633.3 (MANE Select); coding-DNA position 1281, G replaced by T.
Protein change: p.Arg427Ser; replaces arginine 427 with serine.
Molecular consequence: missense variant.
Genome position (GRCh38, 1-based): chr1:63,651,669, G>T. VCF-style: chr1-63651669-G-T. GRCh37 (hg19) VCF-style: chr1-64117340-G-T.
Other names: c.1335G>T, p.Arg445Ser (NM_001172818.1); c.690G>T, p.Arg230Ser (NM_001172819.2); short protein forms R427S, R230S, R445S.
Identifiers: ClinVar variation 4983205 (VCV004983205.1).